The following is an entry in ClinVar:

NM_031454.2(SELENOO):c.2001A>G

Gene: SELENOO (selenoprotein O; plus strand). Cytogenetic location: 22q13.33.
Variant type: single nucleotide variant.
Coding change: c.2001A>G on transcript NM_031454.2 (MANE Select); coding-DNA position 2001, A replaced by G.
Genome position (GRCh38, 1-based): chr22:50,217,360, A>G. VCF-style: chr22-50217360-A-G. GRCh37 (hg19) VCF-style: chr22-50655789-A-G.
Identifiers: ClinVar variation 3793994 (VCV003793994.1).

ClinVar aggregate classification (germline): Uncertain significance (1 of 4 stars; one submission).

gnomAD v4.1: 1 of 1,612,634 alleles (0.000062%); highest among the groups gnomAD compares: Non-Finnish European, 0.000085%; no homozygotes.

Submission:

Ambry Genetics
Classification: Uncertain significance. Last evaluated: 2025-02-22. Review status: criteria provided, single submitter. Criteria: Ambry Variant Classification Scheme 2023. Collection method: clinical testing. Allele origin: germline.
Comment: The c.2001A>G (p.U667W) alteration is located in exon 9 (coding exon 9) of the SELO gene. This alteration results from a A to G substitution at nucleotide position 2001, causing the None (U) at amino acid position 667 to be replaced by a tryptophan (W). Based on insufficient or conflicting evidence, the clinical significance of this alteration remains unclear.